The following is an entry in ClinVar:

NM_000179.3(MSH6):c.1141G>A (p.Glu381Lys)

Gene: MSH6 (mutS homolog 6; plus strand). Cytogenetic location: 2p16.3.
Variant type: single nucleotide variant.
Coding change: c.1141G>A on transcript NM_000179.3 (MANE Select); coding-DNA position 1141, G replaced by A.
Protein change: p.Glu381Lys; replaces glutamic acid 381 with lysine.
Molecular consequence: missense variant.
Genome position (GRCh38, 1-based): chr2:47,799,124, G>A. VCF-style: chr2-47799124-G-A. GRCh37 (hg19) VCF-style: chr2-48026263-G-A.
Other names: c.751G>A, p.Glu251Lys (NM_001281492.2); c.235G>A, p.Glu79Lys (NM_001281493.2, NM_001281494.2); short protein forms E381K, E251K, E79K.
Identifiers: ClinVar variation 220489 (VCV000220489.15), dbSNP rs142111387, ClinGen allele CA067195.
Genomic context (GRCh38, chr2:47,799,124, plus strand): 5'-CGCCCTACTGTTTGGTATCATGAAACTTTAGAATGGCTTAAGGAGGAAAAGAGAAGAGAT[G>A]AGCACAGGAGGAGGCCTGATCACCCCGATTTTGATGCATCTACACTCTATGTGCCTGAGG-3'
Protein context (NP_000170.1, residues 371-391): EWLKEEKRRD[Glu381Lys]HRRRPDHPDF

ClinVar aggregate classification (germline): Conflicting classifications of pathogenicity. Review status: criteria provided, conflicting classifications (1 of 4 stars). 4 submissions from 4 submitters: Uncertain significance (3); Likely benign (1). Last evaluated 2025-05-12.

Conditions:
Hereditary cancer-predisposing syndrome. Also called: Hereditary neoplastic syndrome; Tumor predisposition; Hereditary Cancer Syndrome; Neoplastic Syndromes, Hereditary. Identifiers: Orphanet 140162, MedGen C0027672, MeSH D009386, MONDO:0015356.
Hereditary nonpolyposis colorectal neoplasms. Identifiers: MedGen C0009405, MeSH D003123.
Lynch syndrome. Identifiers: Orphanet 144, MedGen C4552100, MONDO:0005835. Disease mechanism: loss of function.
Endometrial carcinoma. Also called: Endometrial carcinoma, somatic. Identifiers: MedGen C0476089, MONDO:0002447, OMIM 608089, HP:0012114.

Allele frequency attached by ClinVar (database versions not stated): TOPMed below 0.00001; gnomAD exomes 0.00001 and 0.00002; ExAC 0.00002; ESP Exome Variant Server 0.00008.
gnomAD v4.1: 4 of 1,614,126 alleles (0.00025%); highest among the groups gnomAD compares: Non-Finnish European, 0.00025%; no homozygotes.

Submissions (4):

Labcorp Genetics (formerly Invitae), Labcorp
Classification: Likely benign for Hereditary nonpolyposis colorectal neoplasms. Last evaluated: 2025-05-12. Review status: criteria provided, single submitter. Criteria: Invitae Variant Classification Sherloc (09022015). Collection method: clinical testing. Allele origin: germline.

All of Us Research Program, National Institutes of Health
Classification: Uncertain significance for Lynch syndrome. Last evaluated: 2024-05-09. Review status: criteria provided, single submitter. Criteria: ACMG Guidelines, 2015. Collection method: clinical testing. Allele origin: germline. Inheritance: Autosomal dominant inheritance. Observed: 1 variant allele, 1 heterozygote.
Comment: This study involves interpretation of variants in research participants for the purpose of population health screening. Participant phenotype was not available at the time of variant classification. Additional details can be found in publication PMID: 35346344, PMCID: PMC8962531

Baylor Genetics
Classification: Uncertain significance for Endometrial carcinoma. Last evaluated: 2023-09-13. Review status: criteria provided, single submitter. Criteria: ACMG Guidelines, 2015. Collection method: clinical testing. Allele origin: unknown.

Ambry Genetics
Classification: Uncertain significance for Hereditary cancer-predisposing syndrome. Last evaluated: 2023-05-10. Review status: criteria provided, single submitter. Criteria: Ambry Variant Classification Scheme 2023. Collection method: clinical testing. Allele origin: germline.
Comment: The p.E381K variant (also known as c.1141G>A), located in coding exon 4 of the MSH6 gene, results from a G to A substitution at nucleotide position 1141. The glutamic acid at codon 381 is replaced by lysine, an amino acid with similar properties. This amino acid position is not well conserved in available vertebrate species. In addition, this alteration is predicted to be tolerated by in silico analysis. Since supporting evidence is limited at this time, the clinical significance of this alteration remains unclear.